The following is an entry in ClinVar:

ClinVar aggregate classification (germline): Benign/Likely benign. Review status: criteria provided, multiple submitters, no conflicts (2 of 4 stars). 4 submissions from 4 submitters: Benign (1); Likely benign (3). Last evaluated 2026-06-01.

Conditions:
Hereditary breast ovarian cancer syndrome. Also called: Hereditary breast and/or ovarian cancer syndrome; Hereditary breast and ovarian cancer; BRCA1- and BRCA2-Associated Hereditary Breast and Ovarian Cancer; Hereditary breast and ovarian cancer syndrome; Hereditary breast and ovarian cancer syndrome (HBOC); Breast and ovarian cancer. Identifiers: Orphanet 145, MedGen C0677776, MeSH D061325, MONDO:0003582. Disease mechanism: loss of function.

Allele frequency attached by ClinVar (database versions not stated): ExAC 0.00248; gnomAD 0.00724 and 0.00771; 1000 Genomes Project 0.00779; TOPMed 0.00781; ESP Exome Variant Server 0.00830; 1000 Genomes Project 30x 0.00890.
gnomAD v4.1: 2,411 of 1,614,002 alleles (0.15%); highest among the groups gnomAD compares: African/African-American, 2.4%; 34 homozygotes.

Submissions (4):

CeGaT Center for Human Genetics Tuebingen
Classification: Benign. Last evaluated: 2026-06-01. Review status: criteria provided, single submitter. Criteria: CeGaT Center For Human Genetics Tuebingen Variant Classification Criteria Version 2. Collection method: clinical testing. Allele origin: germline. Affected: yes. Observed: 1 variant allele.
Comment: RAD54L: BP4, BP7, BS1, BS2

National Health Laboratory Service, Universitas Academic Hospital and University of the Free State
Classification: Likely benign for Hereditary breast ovarian cancer syndrome. Last evaluated: 2022-04-19. Review status: criteria provided, single submitter. Criteria: ACMG Guidelines, 2015. Collection method: clinical testing. Allele origin: germline. Affected: yes. Observed: 4 variant alleles.

Ambry Genetics
Classification: Likely benign. Last evaluated: 2022-02-12. Review status: criteria provided, single submitter. Criteria: Ambry Variant Classification Scheme 2023. Collection method: clinical testing. Allele origin: germline.

Breakthrough Genomics
Classification: Likely benign. Review status: criteria provided, single submitter. Criteria: ACMG Guidelines, 2015. Collection method: not provided. Allele origin: germline. Inheritance: Autosomal dominant inheritance. Affected: yes.

NM_003579.4(RAD54L):c.894A>G (p.Gly298=)

Gene: RAD54L (RAD54 like; plus strand). Cytogenetic location: 1p34.1.
Variant type: single nucleotide variant.
Coding change: c.894A>G on transcript NM_003579.4 (MANE Select); coding-DNA position 894, A replaced by G.
Protein change: p.Gly298=; no amino-acid change (glycine 298 retained).
Molecular consequence: synonymous variant.
Genome position (GRCh38, 1-based): chr1:46,267,461, A>G. VCF-style: chr1-46267461-A-G. GRCh37 (hg19) VCF-style: chr1-46733133-A-G.
Other names: NP_003570.2:p.Gly298=; c.894A>G, p.Gly298= (NM_001142548.2); c.354A>G, p.Gly118= (NM_001370766.1); c.894A>G (NM_003579.3).
Identifiers: ClinVar variation 1678883 (VCV001678883.6), dbSNP rs60121285, ClinGen allele CA834420.